The following is an entry in ClinVar:

NM_017780.4(CHD7):c.2344dup (p.Ser782fs)

Gene: CHD7 (chromodomain helicase DNA binding protein 7; plus strand). Cytogenetic location: 8q12.2.
Variant type: Duplication.
Coding change: c.2344dup on transcript NM_017780.4 (MANE Select); coding-DNA position 2344, one base duplicated (T; older notation c.2344dupT).
Protein change: p.Ser782fs; shifts the reading frame from serine 782.
Molecular consequence: frameshift variant. On other transcripts: intron variant (1).
Genome position (GRCh38, 1-based): chr8:60,800,493, T duplicated; the last of 2 consecutive T bases (chr8:60,800,492-60,800,493); duplicating either gives the same sequence. VCF-style (leftmost placement, unchanged base first): chr8-60800491-A-AT. GRCh37 (hg19) VCF-style: chr8-61713050-A-AT.
Other names: c.1716+19443dup (NM_001316690.1); short protein forms S782fs.
Identifiers: ClinVar variation 4871698 (VCV004871698.1).
Genomic context (GRCh38, chr8:60,800,491, plus strand): 5'-AAGACCTGGAGTTCAAGATTTCTGATGAGGAGGCAGATGATGCAGATGCTGCTGGGAGGG[A>AT]TTCCCCCTCCAACACCTCCCAGTCAGAACAGCAGGTTAGTACCAGATCTGTGGGATTTAT-3'

ClinVar aggregate classification (germline): Likely pathogenic (1 of 4 stars; one submission).

Conditions:
CHD7-related CHARGE syndrome. Identifiers: MedGen CN380413, MONDO:1010178, OMIM 214800.

Submission:

Centro Nacional de Genética Medica, Administración Nacional de Laboratorios e Institutos de Salud (ANLIS) “Dr. Carlos G Malbrán”
Classification: Likely pathogenic for CHD7-related CHARGE syndrome. Last evaluated: 2025-10-31. Review status: criteria provided, single submitter. Criteria: ACMG Guidelines, 2015. Collection method: clinical testing. Allele origin: germline. Affected: yes. Observed: 1 variant allele.
Comment: This variant corresponds to a duplication at nucleotide position 2344 within the coding sequence of exon 5/38 of the CHD7 gene and causes a frameshift. As a consequence of this reading-frame disruption, a premature termination codon is predicted to occur 15 amino acid residues downstream of the duplication site. Variants of this type generally result in degradation of the mutant messenger RNA through the nonsense-mediated decay (NMD) pathway (PMID: 36875494; PMID: 31474762). Furthermore, CHD7 is an established haploinsufficient gene (PMID: 21158681; PMID: 16400610; PMID: 19248844), and loss of function is a well-recognized disease mechanism. Therefore, this variant is predicted to result in loss of protein production and function (PVS1). The identified variant is absent from population databases such as gnomAD, ExAC, and the 1000 Genomes Project (PM2_Supporting). The patient's phenotype is consistent with CHARGE syndrome, and CHD7 is strongly associated with this disorder (PP4).

Literature cited by the submitters: PubMed 36875494; PubMed 31474762; PubMed 21158681; PubMed 16400610; PubMed 19248844.